The following is an entry in ClinVar:

NM_021076.4(NEFH):c.439G>A (p.Glu147Lys)

Gene: NEFH (neurofilament heavy chain; plus strand). Cytogenetic location: 22q12.2.
Variant type: single nucleotide variant.
Coding change: c.439G>A on transcript NM_021076.4 (MANE Select); coding-DNA position 439, G replaced by A.
Protein change: p.Glu147Lys; replaces glutamic acid 147 with lysine.
Molecular consequence: missense variant.
Genome position (GRCh38, 1-based): chr22:29,480,701, G>A. VCF-style: chr22-29480701-G-A. GRCh37 (hg19) VCF-style: chr22-29876690-G-A.
Other names: short protein forms E147K.
Identifiers: ClinVar variation 4777807 (VCV004777807.1).

ClinVar aggregate classification (germline): Uncertain significance (1 of 4 stars; one submission).

Submission:

Labcorp Genetics (formerly Invitae), Labcorp
Classification: Uncertain significance. Last evaluated: 2025-02-13. Review status: criteria provided, single submitter. Criteria: Invitae Variant Classification Sherloc (09022015). Collection method: clinical testing. Allele origin: germline.
Comment: This sequence change replaces glutamic acid, which is acidic and polar, with lysine, which is basic and polar, at codon 147 of the NEFH protein (p.Glu147Lys). This variant is not present in population databases (gnomAD no frequency). This variant has not been reported in the literature in individuals affected with NEFH-related conditions. Invitae Evidence Modeling of protein sequence and biophysical properties (such as structural, functional, and spatial information, amino acid conservation, physicochemical variation, residue mobility, and thermodynamic stability) indicates that this missense variant is not expected to disrupt NEFH protein function with a negative predictive value of 95%. In summary, the available evidence is currently insufficient to determine the role of this variant in disease. Therefore, it has been classified as a Variant of Uncertain Significance.